The following is an entry in ClinVar:

NM_002076.4(GNS):c.876-3C>T

Gene: GNS (glucosamine (N-acetyl)-6-sulfatase; minus strand). Cytogenetic location: 12q14.3.
Variant type: single nucleotide variant.
Coding change: c.876-3C>T on transcript NM_002076.4 (MANE Select); 3 bases into the intron before coding-DNA position 876, C replaced by T.
Molecular consequence: intron variant.
Genome position (GRCh38, 1-based): chr12:64,739,502, G>A on the plus strand (C>T on the coding strand, the complement: GNS is on the minus strand). VCF-style: chr12-64739502-G-A. GRCh37 (hg19) VCF-style: chr12-65133282-G-A.
Other names: p.?.
Identifiers: ClinVar variation 966660 (VCV000966660.7), dbSNP rs73323465, ClinGen allele CA6669806.
Genomic context (GRCh38, chr12:64,739,502, plus strand): 5'-CTCCAGCCTCTTGACCAGTTTCTCCACAAGGTCATCAACTGAGAGGAGAGTTTGCCACCT[G>A]GATGTGAACAGAAGGTAGAAATGGGACTTCAGGGGCAATGGCTGAGGTATCACTATCTTG-3'

ClinVar aggregate classification (germline): Conflicting classifications of pathogenicity. Review status: criteria provided, conflicting classifications (1 of 4 stars). 4 submissions from 4 submitters: Uncertain significance (1); Likely benign (2). 1 of the submissions does not count toward it. Last evaluated 2026-01-12.

Conditions:
Sanfilippo syndrome. Also called: Mucopolysaccharidosis type 3; Sanfilippo disease; Mucopolysaccharidosis Type III. Identifiers: Orphanet 581, MedGen C0026706, MONDO:0018937.
GNS-related disorder. Also called: GNS-related condition.
Mucopolysaccharidosis, MPS-III-D (MPS3D). Also called: MPS IIID (Sanfilippo Syndrome Type D); N-ACETYLGLUCOSAMINE-6-SULFATASE DEFICIENCY; MUCOPOLYSACCHARIDOSIS, TYPE IIID; SANFILIPPO SYNDROME D; MPS III D; Mucopoly-saccharidosis type 3D. Identifiers: Orphanet 581, Orphanet 79272, MedGen C0086650, MONDO:0009658, OMIM 252940.

Allele frequency attached by ClinVar (database versions not stated): gnomAD exomes 0.00010; ExAC 0.00016; ESP Exome Variant Server 0.00038; TOPMed 0.00042; gnomAD 0.00043 and 0.00045; 1000 Genomes Project 0.00140; 1000 Genomes Project 30x 0.00141.
gnomAD v4.1: 147 of 1,445,150 alleles (0.01%); highest among the groups gnomAD compares: African/African-American, 0.16%; no homozygotes.

Submissions (4):

PreventionGenetics, part of Exact Sciences
Classification: Likely benign for GNS-related condition. Last evaluated: 2026-01-12. Review status: criteria provided, single submitter. Criteria: ACMG Guidelines, 2015. Collection method: clinical testing. Allele origin: germline.
Comment: This variant is classified as likely benign based on ACMG/AMP sequence variant interpretation guidelines (Richards et al. 2015 PMID: 25741868, with internal and published modifications).

Mayo Clinic Laboratories, Mayo Clinic
Classification: Likely benign. Last evaluated: 2025-08-13. Review status: criteria provided, single submitter. Criteria: ACMG Guidelines, 2015. Collection method: clinical testing. Allele origin: germline. Observed: 1 variant allele.
Comment: BS1, BP4, BP7

Labcorp Genetics (formerly Invitae), Labcorp
Classification: Uncertain significance for Mucopolysaccharidosis, MPS-III-D. Last evaluated: 2022-09-27. Review status: criteria provided, single submitter. Criteria: Invitae Variant Classification Sherloc (09022015). Collection method: clinical testing. Allele origin: germline.
Comment: This sequence change falls in intron 7 of the GNS gene. It does not directly change the encoded amino acid sequence of the GNS protein. It affects a nucleotide within the consensus splice site. This variant is present in population databases (rs73323465, gnomAD 0.2%). This variant has not been reported in the literature in individuals affected with GNS-related conditions. ClinVar contains an entry for this variant (Variation ID: 966660). Variants that disrupt the consensus splice site are a relatively common cause of aberrant splicing (PMID: 17576681, 9536098). Algorithms developed to predict the effect of sequence changes on RNA splicing suggest that this variant is not likely to affect RNA splicing. In summary, the available evidence is currently insufficient to determine the role of this variant in disease. Therefore, it has been classified as a Variant of Uncertain Significance.

Natera, Inc.
Classification: Uncertain significance for Sanfilippo disease. Last evaluated: 2020-03-05. Review status: no assertion criteria provided. Collection method: clinical testing. Allele origin: germline. Not counted in ClinVar's aggregate classification.

Literature cited by the submitters: PubMed 17576681 (cited by Labcorp Genetics (formerly Invitae), Labcorp); PubMed 9536098 (cited by Labcorp Genetics (formerly Invitae), Labcorp).